The following is an entry in ClinVar:

NM_001114753.3(ENG):c.1627A>C (p.Lys543Gln)

Genes: ENG (endoglin; minus strand), LOC102723566 (uncharacterized LOC102723566; plus strand). Cytogenetic location: 9q34.11.
Variant type: single nucleotide variant.
Coding change: c.1627A>C on transcript NM_001114753.3 (MANE Select); coding-DNA position 1627, A replaced by C.
Protein change: p.Lys543Gln; replaces lysine 543 with glutamine.
Molecular consequence: missense variant.
Genome position (GRCh38, 1-based): chr9:127,818,179, T>G on the plus strand (A>C on the coding strand, the complement: ENG is on the minus strand). VCF-style: chr9-127818179-T-G. GRCh37 (hg19) VCF-style: chr9-130580458-T-G.
Other names: c.1627A>C, p.Lys543Gln (NM_000118.4); c.1081A>C, p.Lys361Gln (NM_001278138.2); short protein forms K543Q, K361Q.
Identifiers: ClinVar variation 4700842 (VCV004700842.1).

ClinVar aggregate classification (germline): Uncertain significance (1 of 4 stars; one submission).

Conditions:
Hereditary hemorrhagic telangiectasia (HHT). Also called: ORW DISEASE; Osler Weber Rendu syndrome; OSLER-RENDU-WEBER DISEASE; Osler hemorrhagic telangiectasia syndrome. Identifiers: Orphanet 774, MedGen C0039445, MONDO:0019180. Disease mechanism: loss of function.

gnomAD v4.1: 1 of 1,614,090 alleles (0.000062%); highest among the groups gnomAD compares: African/African-American, 0.0013%; no homozygotes.

Submission:

Labcorp Genetics (formerly Invitae), Labcorp
Classification: Uncertain significance for Hereditary hemorrhagic telangiectasia. Last evaluated: 2025-08-12. Review status: criteria provided, single submitter. Criteria: Invitae Variant Classification Sherloc (09022015). Collection method: clinical testing. Allele origin: germline.
Comment: This sequence change replaces lysine, which is basic and polar, with glutamine, which is neutral and polar, at codon 543 of the ENG protein (p.Lys543Gln). This variant is not present in population databases (gnomAD no frequency). This variant has not been reported in the literature in individuals affected with ENG-related conditions. Invitae Evidence Modeling of protein sequence and biophysical properties (such as structural, functional, and spatial information, amino acid conservation, physicochemical variation, residue mobility, and thermodynamic stability) indicates that this missense variant is not expected to disrupt ENG protein function with a negative predictive value of 95%. In summary, the available evidence is currently insufficient to determine the role of this variant in disease. Therefore, it has been classified as a Variant of Uncertain Significance.